The following is an entry in ClinVar:

NM_004168.4(SDHA):c.1543A>G (p.Met515Val)

Gene: SDHA (succinate dehydrogenase complex flavoprotein subunit A; plus strand). Cytogenetic location: 5p15.33.
Variant type: single nucleotide variant.
Coding change: c.1543A>G on transcript NM_004168.4 (MANE Select); coding-DNA position 1543, A replaced by G.
Protein change: p.Met515Val; replaces methionine 515 with valine.
Molecular consequence: missense variant.
Genome position (GRCh38, 1-based): chr5:240,468, A>G. VCF-style: chr5-240468-A-G. GRCh37 (hg19) VCF-style: chr5-240583-A-G.
Other names: c.1399A>G, p.Met467Val (NM_001294332.2); c.1543A>G, p.Met515Val (NM_001330758.2); c.1543A>G (NM_004168.3); short protein forms M467V, M515V.
Identifiers: ClinVar variation 1003081 (VCV001003081.12), dbSNP rs1736069297, ClinGen allele CA359014388.
Genomic context (GRCh38, chr5:240,468, plus strand): 5'-AATCTTGACAAATTGAGATTTGCTGATGGAAGCATAAGAACATCGGAACTGCGACTCAGC[A>G]TGCAGAAGGTAAGAGCCTGGACTCGCTCTGGAGTGAGCAGGAGGGCTGCATACCTGGCCC-3'
Protein context (NP_004159.2, residues 505-525): SIRTSELRLS[Met515Val]QKSMQNHAAV

ClinVar aggregate classification (germline): Uncertain significance. Review status: criteria provided, multiple submitters, no conflicts (2 of 4 stars). 3 submissions from 3 submitters: Uncertain significance (3). Last evaluated 2026-02-03.

Conditions:
Hereditary cancer-predisposing syndrome. Also called: Tumor predisposition; Hereditary neoplastic syndrome; Neoplastic Syndromes, Hereditary; Hereditary Cancer Syndrome. Identifiers: Orphanet 140162, MedGen C0027672, MeSH D009386, MONDO:0015356.
Mitochondrial complex II deficiency, nuclear type 1. Also called: SUCCINATE CoQ REDUCTASE DEFICIENCY. Identifiers: Orphanet 3208, MedGen C5700310, MONDO:0100294, OMIM 252011.
Pheochromocytoma/paraganglioma syndrome 5. Also called: Paragangliomas 5; SDHA-Related Hereditary Paraganglioma-Pheochromocytoma Syndrome. Identifiers: Orphanet 29072, MedGen C3279992, MONDO:0013602, OMIM 614165.

Allele frequency attached by ClinVar (database versions not stated): gnomAD exomes 0.00001.
gnomAD v4.1: 13 of 1,601,516 alleles (0.00081%); highest among the groups gnomAD compares: Non-Finnish European, 0.001%; no homozygotes.

Submissions (3):

Ambry Genetics
Classification: Uncertain significance for Hereditary cancer-predisposing syndrome. Last evaluated: 2026-02-03. Review status: criteria provided, single submitter. Criteria: Ambry Variant Classification Scheme 2023. Collection method: clinical testing. Allele origin: germline.
Comment: The p.M515V variant (also known as c.1543A>G), located in coding exon 11 of the SDHA gene, results from an A to G substitution at nucleotide position 1543. The methionine at codon 515 is replaced by valine, an amino acid with highly similar properties. This amino acid position is highly conserved in available vertebrate species. In addition, this alteration is predicted to be deleterious by in silico analysis. Based on the available evidence, the clinical significance of this variant remains unclear.

Quest Diagnostics Nichols Institute San Juan Capistrano
Classification: Uncertain significance. Last evaluated: 2025-07-02. Review status: criteria provided, single submitter. Criteria: Quest Diagnostics criteria. Collection method: clinical testing. Allele origin: unknown.
Comment: The SDHA c.1543A>G (p.Met515Val) variant has not been reported in individuals with SDHA-related conditions in the published literature. It also has not been reported in large, multi-ethnic general populations (Genome Aggregation Database). Analysis of this variant using bioinformatics tools for the prediction of the effect of amino acid changes on protein structure and function yielded predictions that this variant is damaging. Based on the available information, we are unable to determine the clinical significance of this variant.

Labcorp Genetics (formerly Invitae), Labcorp
Classification: Uncertain significance for Pheochromocytoma/paraganglioma syndrome 5; Mitochondrial complex II deficiency, nuclear type 1. Last evaluated: 2024-11-15. Review status: criteria provided, single submitter. Criteria: Invitae Variant Classification Sherloc (09022015). Collection method: clinical testing. Allele origin: germline.
Comment: This sequence change replaces methionine, which is neutral and non-polar, with valine, which is neutral and non-polar, at codon 515 of the SDHA protein (p.Met515Val). This variant is not present in population databases (gnomAD no frequency). This variant has not been reported in the literature in individuals affected with SDHA-related conditions. ClinVar contains an entry for this variant (Variation ID: 1003081). Invitae Evidence Modeling of protein sequence and biophysical properties (such as structural, functional, and spatial information, amino acid conservation, physicochemical variation, residue mobility, and thermodynamic stability) has been performed for this missense variant. However, the output from this modeling did not meet the statistical confidence thresholds required to predict the impact of this variant on SDHA protein function. In summary, the available evidence is currently insufficient to determine the role of this variant in disease. Therefore, it has been classified as a Variant of Uncertain Significance.